The following is an entry in ClinVar:

ClinVar aggregate classification (germline): Uncertain significance (1 of 4 stars; one submission).

gnomAD v4.1: 1 of 1,550,140 alleles (0.000065%); highest among the groups gnomAD compares: African/African-American, 0.0014%; no homozygotes.

Submission:

Labcorp Genetics (formerly Invitae), Labcorp
Classification: Uncertain significance. Last evaluated: 2024-10-10. Review status: criteria provided, single submitter. Criteria: Invitae Variant Classification Sherloc (09022015). Collection method: clinical testing. Allele origin: germline.
Comment: This sequence change replaces lysine, which is basic and polar, with methionine, which is neutral and non-polar, at codon 1784 of the PIEZO1 protein (p.Lys1784Met). This variant is not present in population databases (gnomAD no frequency). This variant has not been reported in the literature in individuals affected with PIEZO1-related conditions. Invitae Evidence Modeling of protein sequence and biophysical properties (such as structural, functional, and spatial information, amino acid conservation, physicochemical variation, residue mobility, and thermodynamic stability) indicates that this missense variant is not expected to disrupt PIEZO1 protein function with a negative predictive value of 80%. In summary, the available evidence is currently insufficient to determine the role of this variant in disease. Therefore, it has been classified as a Variant of Uncertain Significance.

NM_001142864.4(PIEZO1):c.5351A>T (p.Lys1784Met)

Gene: PIEZO1 (piezo type mechanosensitive ion channel component 1 (Er blood group); minus strand). Cytogenetic location: 16q24.3.
Variant type: single nucleotide variant.
Coding change: c.5351A>T on transcript NM_001142864.4 (MANE Select); coding-DNA position 5351, A replaced by T.
Protein change: p.Lys1784Met; replaces lysine 1784 with methionine.
Molecular consequence: missense variant.
Genome position (GRCh38, 1-based): chr16:88,721,590, T>A on the plus strand (A>T on the coding strand, the complement: PIEZO1 is on the minus strand). VCF-style: chr16-88721590-T-A. GRCh37 (hg19) VCF-style: chr16-88787998-T-A.
Other names: short protein forms K1784M.
Identifiers: ClinVar variation 3685135 (VCV003685135.2).